The following is an entry in ClinVar:

ClinVar aggregate classification (germline): Uncertain significance. Review status: criteria provided, multiple submitters, no conflicts (2 of 4 stars). 3 submissions from 3 submitters: Uncertain significance (3). Last evaluated 2025-09-19.

Conditions:
Dyskeratosis congenita, autosomal dominant 2. Identifiers: MedGen C3151443, MONDO:0013521, OMIM 613989.
Idiopathic Pulmonary Fibrosis. Also called: Idiopathic fibrosing alveolitis, chronic form; idiopathic fibrosing alveolitis. Identifiers: Orphanet 2032, MedGen C1800706, MeSH D054990, MONDO:0800504.
Dyskeratosis congenita. Identifiers: Orphanet 1775, MedGen C0265965, MONDO:0015780.

Allele frequency attached by ClinVar (database versions not stated): gnomAD 0.00001; TOPMed 0.00002.
gnomAD v4.1: 3 of 1,613,056 alleles (0.00019%); highest among the groups gnomAD compares: Non-Finnish European, 0.00025%; no homozygotes.

Submissions (3):

Labcorp Genetics (formerly Invitae), Labcorp
Classification: Uncertain significance for Dyskeratosis congenita, autosomal dominant 2; Idiopathic Pulmonary Fibrosis. Last evaluated: 2025-09-19. Review status: criteria provided, single submitter. Criteria: Invitae Variant Classification Sherloc (09022015). Collection method: clinical testing. Allele origin: germline.
Comment: This sequence change replaces glycine, which is neutral and non-polar, with valine, which is neutral and non-polar, at codon 804 of the TERT protein (p.Gly804Val). This variant is not present in population databases (gnomAD no frequency). This missense change has been observed in individual(s) with pancreatic cancer (PMID: 28767289). ClinVar contains an entry for this variant (Variation ID: 576395). Invitae Evidence Modeling of protein sequence and biophysical properties (such as structural, functional, and spatial information, amino acid conservation, physicochemical variation, residue mobility, and thermodynamic stability) indicates that this missense variant is not expected to disrupt TERT protein function with a negative predictive value of 95%. In summary, the available evidence is currently insufficient to determine the role of this variant in disease. Therefore, it has been classified as a Variant of Uncertain Significance.

Ambry Genetics
Classification: Uncertain significance for Dyskeratosis congenita. Last evaluated: 2025-02-14. Review status: criteria provided, single submitter. Criteria: Ambry Variant Classification Scheme 2023. Collection method: clinical testing. Allele origin: germline.
Comment: The p.G804V variant (also known as c.2411G>T), located in coding exon 8 of the TERT gene, results from a G to T substitution at nucleotide position 2411. The glycine at codon 804 is replaced by valine, an amino acid with dissimilar properties. In one study, this variant was detected in an individual with pancreatic ductal adenocarcinoma (Shindo K et al. J. Clin. Oncol., 2017 Oct;35:3382-3390). This amino acid position is poorly conserved in available vertebrate species. In addition, this alteration is predicted to be tolerated by in silico analysis. Based on the available evidence, the clinical significance of this variant remains unclear.

GeneDx
Classification: Uncertain significance. Last evaluated: 2022-08-25. Review status: criteria provided, single submitter. Criteria: GeneDx Variant Classification Process June 2021. Collection method: clinical testing. Allele origin: germline. Affected: yes.
Comment: Not observed at significant frequency in large population cohorts (gnomAD); In silico analysis supports that this missense variant does not alter protein structure/function; Observed in an individual with pancreatic cancer (Shindo et al., 2017); This variant is associated with the following publications: (PMID: 28767289)

Literature cited by the submitters: PubMed 28767289 (cited by Labcorp Genetics (formerly Invitae), Labcorp and Ambry Genetics).

NM_198253.3(TERT):c.2411G>T (p.Gly804Val)

Gene: TERT (telomerase reverse transcriptase; minus strand). Cytogenetic location: 5p15.33.
Variant type: single nucleotide variant.
Coding change: c.2411G>T on transcript NM_198253.3 (MANE Select); coding-DNA position 2411, G replaced by T.
Protein change: p.Gly804Val; replaces glycine 804 with valine.
Molecular consequence: missense variant.
Genome position (GRCh38, 1-based): chr5:1,271,176, C>A on the plus strand (G>T on the coding strand, the complement: TERT is on the minus strand). VCF-style: chr5-1271176-C-A. GRCh37 (hg19) VCF-style: chr5-1271291-C-A.
Other names: c.2411G>T, p.Gly804Val (NM_001193376.3); short protein forms G804V.
Identifiers: ClinVar variation 576395 (VCV000576395.13), dbSNP rs1442845192, ClinGen allele CA359075784.